The following is an entry in ClinVar:

NM_001377334.1(PIK3C2B):c.4804G>A (p.Val1602Ile)

Gene: PIK3C2B (phosphatidylinositol-4-phosphate 3-kinase catalytic subunit type 2 beta; minus strand). Cytogenetic location: 1q32.1.
Variant type: single nucleotide variant.
Coding change: c.4804G>A on transcript NM_001377334.1 (MANE Select); coding-DNA position 4804, G replaced by A.
Protein change: p.Val1602Ile; replaces valine 1602 with isoleucine.
Molecular consequence: missense variant.
Genome position (GRCh38, 1-based): chr1:204,424,953, C>T on the plus strand (G>A on the coding strand, the complement: PIK3C2B is on the minus strand). VCF-style: chr1-204424953-C-T. GRCh37 (hg19) VCF-style: chr1-204394081-C-T.
Other names: c.4720G>A, p.Val1574Ile (NM_001377335.1); c.4804G>A, p.Val1602Ile (NM_002646.4); short protein forms V1602I, V1574I.
Identifiers: ClinVar variation 784968 (VCV000784968.7), dbSNP rs115140808, ClinGen allele CA1346999.

ClinVar aggregate classification (germline): Benign. Review status: criteria provided, multiple submitters, no conflicts (2 of 4 stars). 3 submissions from 3 submitters: Benign (2). 1 of the submissions does not count toward it. Last evaluated 2019-12-31.

Conditions:
PIK3C2B-related disorder. Also called: PIK3C2B-related condition.

Allele frequency attached by ClinVar (database versions not stated): 1000 Genomes Project 0.00379; TOPMed 0.00437; gnomAD exomes 0.00037 and 0.00100; ESP Exome Variant Server 0.00392; gnomAD 0.00396 and 0.00367; ExAC 0.00121; 1000 Genomes Project 30x 0.00406.
gnomAD v4.1: 1,108 of 1,614,194 alleles (0.069%); highest among the groups gnomAD compares: African/African-American, 1.3%; 8 homozygotes.

Submissions (3):

Labcorp Genetics (formerly Invitae), Labcorp
Classification: Benign. Last evaluated: 2019-12-31. Review status: criteria provided, single submitter. Criteria: Invitae Variant Classification Sherloc (09022015). Collection method: clinical testing. Allele origin: germline.

Breakthrough Genomics
Classification: Benign. Review status: criteria provided, single submitter. Criteria: ACMG Guidelines, 2015. Collection method: not provided. Allele origin: germline. Inheritance: Unknown mechanism. Affected: yes.

PreventionGenetics, part of Exact Sciences
Classification: Benign for PIK3C2B-related condition. Last evaluated: 2019-08-02. Review status: no assertion criteria provided. Collection method: clinical testing. Allele origin: germline. Not counted in ClinVar's aggregate classification.
Comment: This variant is classified as benign based on ACMG/AMP sequence variant interpretation guidelines (Richards et al. 2015 PMID: 25741868, with internal and published modifications).